The following is an entry in ClinVar:

ClinVar aggregate classification (germline): Likely benign (1 of 4 stars; one submission).

Allele frequency attached by ClinVar (database versions not stated): gnomAD 0.00001; TOPMed 0.00001.
gnomAD v4.1: 8 of 1,613,458 alleles (0.0005%); highest among the groups gnomAD compares: African/African-American, 0.004%; no homozygotes.

Submission:

CeGaT Center for Human Genetics Tuebingen
Classification: Likely benign. Last evaluated: 2023-01-01. Review status: criteria provided, single submitter. Criteria: CeGaT Center For Human Genetics Tuebingen Variant Classification Criteria Version 2. Collection method: clinical testing. Allele origin: germline. Affected: yes. Observed: 1 variant allele.
Comment: SPTBN1: BP4, BP7

NM_003128.3(SPTBN1):c.2049C>T (p.Phe683=)

Gene: SPTBN1 (spectrin beta, non-erythrocytic 1; plus strand). Cytogenetic location: 2p16.2.
Variant type: single nucleotide variant.
Coding change: c.2049C>T on transcript NM_003128.3 (MANE Select); coding-DNA position 2049, C replaced by T.
Protein change: p.Phe683=; no amino-acid change (phenylalanine 683 retained).
Molecular consequence: synonymous variant.
Genome position (GRCh38, 1-based): chr2:54,629,183, C>T. VCF-style: chr2-54629183-C-T. GRCh37 (hg19) VCF-style: chr2-54856320-C-T.
Other names: c.2010C>T, p.Phe670= (NM_178313.3).
Identifiers: ClinVar variation 2650921 (VCV002650921.24), dbSNP rs978175840, ClinGen allele CA47500704.